The following is an entry in ClinVar:

NM_032830.3(UTP4):c.1132A>T (p.Asn378Tyr)

Gene: UTP4 (UTP4 small subunit processome component). Cytogenetic location: 16q22.1.
Variant type: single nucleotide variant.
Coding change: c.1132A>T on transcript NM_032830.3 (MANE Select); coding-DNA position 1132, A replaced by T.
Protein change: p.Asn378Tyr; replaces asparagine 378 with tyrosine.
Molecular consequence: missense variant.
Genome position (GRCh38, 1-based): chr16:69,154,425, A>T. VCF-style: chr16-69154425-A-T. GRCh37 (hg19) VCF-style: chr16-69188328-A-T.
Other names: c.883A>T, p.Asn295Tyr (NM_001318391.2); short protein forms N295Y, N378Y.
Identifiers: ClinVar variation 4987831 (VCV004987831.1).

ClinVar aggregate classification (germline): Uncertain significance (1 of 4 stars; one submission).

Conditions:
UTP4-related disorder. Also called: UTP4-related condition.

Submission:

PreventionGenetics, part of Exact Sciences
Classification: Uncertain significance for UTP4-related condition. Last evaluated: 2025-12-31. Review status: criteria provided, single submitter. Criteria: ACMG Guidelines, 2015. Collection method: clinical testing. Allele origin: germline.
Comment: The UTP4 c.1132A>T variant is predicted to result in the amino acid substitution p.Asn378Tyr. To our knowledge, this variant has not been reported in the literature or in a large population database (gnomAD), indicating this variant is rare. At this time, the clinical significance of this variant is uncertain due to the absence of conclusive functional and genetic evidence.